The following is an entry in ClinVar:

ClinVar aggregate classification (germline): Uncertain significance (1 of 4 stars; one submission).

gnomAD v4.1: 12 of 1,593,870 alleles (0.00075%); highest among the groups gnomAD compares: Non-Finnish European, 0.001%; no homozygotes.

Submission:

Labcorp Genetics (formerly Invitae), Labcorp
Classification: Uncertain significance. Last evaluated: 2025-10-23. Review status: criteria provided, single submitter. Criteria: Invitae Variant Classification Sherloc (09022015). Collection method: clinical testing. Allele origin: germline.
Comment: This sequence change falls in intron 8 of the LEMD3 gene. It does not directly change the encoded amino acid sequence of the LEMD3 protein. It affects a nucleotide within the consensus splice site. This variant is not present in population databases (gnomAD no frequency). This variant has not been reported in the literature in individuals affected with LEMD3-related conditions. Variants that disrupt the consensus splice site are a relatively common cause of aberrant splicing (PMID: 17576681, 9536098). Algorithms developed to predict the effect of sequence changes on RNA splicing suggest that this variant is not likely to affect RNA splicing. In summary, the available evidence is currently insufficient to determine the role of this variant in disease. Therefore, it has been classified as a Variant of Uncertain Significance.

Literature cited by the submitters: PubMed 17576681; PubMed 9536098.

NM_014319.5(LEMD3):c.2126+4T>A

Gene: LEMD3 (LEM domain containing 3; plus strand). Cytogenetic location: 12q14.3.
Variant type: single nucleotide variant.
Coding change: c.2126+4T>A on transcript NM_014319.5 (MANE Select); 4 bases into the intron after coding-DNA position 2126, T replaced by A.
Molecular consequence: intron variant.
Genome position (GRCh38, 1-based): chr12:65,240,242, T>A. VCF-style: chr12-65240242-T-A. GRCh37 (hg19) VCF-style: chr12-65634022-T-A.
Other names: c.2123+4T>A (NM_001167614.2).
Identifiers: ClinVar variation 4697258 (VCV004697258.1).